The following is an entry in ClinVar:

ClinVar aggregate classification (germline): Uncertain significance. Review status: criteria provided, multiple submitters, no conflicts (2 of 4 stars). 4 submissions from 4 submitters: Uncertain significance (4). Last evaluated 2024-10-30.

Conditions:
Cystic fibrosis (CF). Also called: MUCOVISCIDOSIS. Identifiers: Orphanet 586, MedGen C0010674, MONDO:0009061, OMIM 219700. Disease mechanism: loss of function.

Submissions (4):

Labcorp Genetics (formerly Invitae), Labcorp
Classification: Uncertain significance for Cystic fibrosis. Last evaluated: 2024-10-30. Review status: criteria provided, single submitter. Criteria: Invitae Variant Classification Sherloc (09022015). Collection method: clinical testing. Allele origin: germline.
Comment: This sequence change replaces glutamine, which is neutral and polar, with glutamic acid, which is acidic and polar, at codon 1352 of the CFTR protein (p.Gln1352Glu). Information on the frequency of this variant in the gnomAD database is not available, as this variant may be reported differently in the database. This variant has not been reported in the literature in individuals affected with CFTR-related conditions. ClinVar contains an entry for this variant (Variation ID: 1693963). Experimental studies and prediction algorithms are not available or were not evaluated, and the functional significance of this variant is currently unknown. In summary, the available evidence is currently insufficient to determine the role of this variant in disease. Therefore, it has been classified as a Variant of Uncertain Significance.

Revvity Omics, Revvity
Classification: Uncertain significance. Last evaluated: 2024-06-20. Review status: criteria provided, single submitter. Criteria: ACMG Guidelines, 2015. Collection method: clinical testing. Allele origin: germline.

Ambry Genetics
Classification: Uncertain significance for Cystic fibrosis. Last evaluated: 2024-03-15. Review status: criteria provided, single submitter. Criteria: Ambry Variant Classification Scheme 2023. Collection method: clinical testing. Allele origin: germline.
Comment: The c.4053_4054delGCinsAG variant (also known as p.Q1352E), located in coding exon 25 of the CFTR gene, results from an in-frame deletion of GC and insertion of AG at nucleotide positions 4053 to 4054. This results in the substitution of the glutamine residue for a glutamic acid residue at codon 1352, an amino acid with highly similar properties. This amino acid position is highly conserved in available vertebrate species. In addition, this alteration is predicted to be neutral by in silico analysis (Choi Y et al. PLoS ONE. 2012; 7(10):e46688). Based on the available evidence, the clinical significance of this alteration remains unclear.

Mayo Clinic Laboratories, Mayo Clinic
Classification: Uncertain significance. Last evaluated: 2021-10-18. Review status: criteria provided, single submitter. Criteria: ACMG Guidelines, 2015. Collection method: clinical testing. Allele origin: germline.

Literature cited by the submitters: PubMed 19897426 (cited by Ambry Genetics).

NM_000492.4(CFTR):c.4053_4054delinsAG (p.Gln1352Glu)

Gene: CFTR (CF transmembrane conductance regulator; plus strand). Cytogenetic location: 7q31.2.
Variant type: Indel.
Coding change: c.4053_4054delinsAG on transcript NM_000492.4 (MANE Select); coding-DNA positions 4053 to 4054, GC replaced by AG.
Protein change: p.Gln1352Glu; replaces glutamine 1352 with glutamic acid.
Molecular consequence: missense variant.
Genome position (GRCh38, 1-based): chr7:117,664,777-117,664,778, GC replaced by AG. VCF-style: chr7-117664777-GC-AG. GRCh37 (hg19) VCF-style: chr7-117304831-GC-AG.
Other names: p.Gln1352Glu; c.4053_4054delGCinsAG (NM_000492.3); short protein forms Q1352E.
Identifiers: ClinVar variation 1693963 (VCV001693963.9), dbSNP rs2116221100, ClinGen allele CA2580076369.